The following is an entry in ClinVar:

ClinVar aggregate classification (germline): Uncertain significance. Review status: criteria provided, multiple submitters, no conflicts (2 of 4 stars). 3 submissions from 3 submitters: Uncertain significance (3). Last evaluated 2024-06-12.

Conditions:
Van Maldergem syndrome 2 (VMLDS2). Identifiers: Orphanet 314679, MedGen C3809875, MONDO:0014242, OMIM 615546.
Hennekam lymphangiectasia-lymphedema syndrome 2 (HKLLS2). Identifiers: Orphanet 2136, MedGen C4014939, MONDO:0014454, OMIM 616006.

Allele frequency attached by ClinVar (database versions not stated): ESP Exome Variant Server 0.00008; gnomAD exomes 0.00010 and 0.00036; ExAC 0.00012; TOPMed 0.00014; gnomAD 0.00017.

Submissions (3):

Fulgent Genetics
Classification: Uncertain significance for Van Maldergem syndrome 2; Hennekam lymphangiectasia-lymphedema syndrome 2. Last evaluated: 2024-06-12. Review status: criteria provided, single submitter. Criteria: ACMG Guidelines, 2015. Collection method: clinical testing. Allele origin: germline.

GeneDx
Classification: Uncertain significance. Last evaluated: 2023-09-29. Review status: criteria provided, single submitter. Criteria: GeneDx Variant Classification Process June 2021. Collection method: clinical testing. Allele origin: germline. Affected: yes.
Comment: In silico analysis supports that this missense variant has a deleterious effect on protein structure/function; Has not been previously published as pathogenic or benign in an affected individual to our knowledge; This variant is associated with the following publications: (PMID: Shinwari2023[Computational])

Labcorp Genetics (formerly Invitae), Labcorp
Classification: Uncertain significance. Last evaluated: 2022-08-31. Review status: criteria provided, single submitter. Criteria: Invitae Variant Classification Sherloc (09022015). Collection method: clinical testing. Allele origin: germline.
Comment: This sequence change replaces tyrosine, which is neutral and polar, with histidine, which is basic and polar, at codon 2909 of the FAT4 protein (p.Tyr2909His). This variant is present in population databases (rs148655455, gnomAD 0.02%). This variant has not been reported in the literature in individuals affected with FAT4-related conditions. ClinVar contains an entry for this variant (Variation ID: 421256). Advanced modeling of protein sequence and biophysical properties (such as structural, functional, and spatial information, amino acid conservation, physicochemical variation, residue mobility, and thermodynamic stability) performed at Invitae indicates that this missense variant is expected to disrupt FAT4 protein function. In summary, the available evidence is currently insufficient to determine the role of this variant in disease. Therefore, it has been classified as a Variant of Uncertain Significance.

NM_001291303.3(FAT4):c.8731T>C (p.Tyr2911His)

Gene: FAT4 (FAT atypical cadherin 4; plus strand). Cytogenetic location: 4q28.1.
Variant type: single nucleotide variant.
Coding change: c.8731T>C on transcript NM_001291303.3 (MANE Select); coding-DNA position 8731, T replaced by C.
Protein change: p.Tyr2911His; replaces tyrosine 2911 with histidine.
Molecular consequence: missense variant.
Genome position (GRCh38, 1-based): chr4:125,449,741, T>C. VCF-style: chr4-125449741-T-C. GRCh37 (hg19) VCF-style: chr4-126370896-T-C.
Other names: c.8731T>C, p.Tyr2911His (NM_001291285.3); c.8725T>C, p.Tyr2909His (NM_024582.6); c.8725T>C (NM_024582.5); short protein forms Y2909H, Y2911H.
Identifiers: ClinVar variation 421256 (VCV000421256.8), dbSNP rs148655455, ClinGen allele CA3073416.